The following is an entry in ClinVar:

NM_001384474.1(LOXHD1):c.211A>T (p.Asn71Tyr)

Gene: LOXHD1 (lipoxygenase homology PLAT domains 1; minus strand). Cytogenetic location: 18q21.1.
Variant type: single nucleotide variant.
Coding change: c.211A>T on transcript NM_001384474.1 (MANE Select); coding-DNA position 211, A replaced by T.
Protein change: p.Asn71Tyr; replaces asparagine 71 with tyrosine.
Molecular consequence: missense variant.
Genome position (GRCh38, 1-based): chr18:46,649,189, T>A on the plus strand (A>T on the coding strand, the complement: LOXHD1 is on the minus strand). VCF-style: chr18-46649189-T-A. GRCh37 (hg19) VCF-style: chr18-44229152-T-A.
Other names: c.211A>T, p.Asn71Tyr (NM_144612.7); short protein forms N71Y.
Identifiers: ClinVar variation 2160504 (VCV002160504.2), dbSNP rs753416111, ClinGen allele CA402372583.

ClinVar aggregate classification (germline): Uncertain significance (1 of 4 stars; one submission).

Allele frequency attached by ClinVar (database versions not stated): TOPMed 0.00001; gnomAD 0.00003.

Submission:

Labcorp Genetics (formerly Invitae), Labcorp
Classification: Uncertain significance. Last evaluated: 2025-07-10. Review status: criteria provided, single submitter. Criteria: Invitae Variant Classification Sherloc (09022015). Collection method: clinical testing. Allele origin: germline.
Comment: This sequence change replaces asparagine, which is neutral and polar, with tyrosine, which is neutral and polar, at codon 71 of the LOXHD1 protein (p.Asn71Tyr). This variant is present in population databases (no rsID available, gnomAD 0.007%). This variant has not been reported in the literature in individuals affected with LOXHD1-related conditions. ClinVar contains an entry for this variant (Variation ID: 2160504). Experimental studies and prediction algorithms are not available or were not evaluated, and the functional significance of this variant is currently unknown. In summary, the available evidence is currently insufficient to determine the role of this variant in disease. Therefore, it has been classified as a Variant of Uncertain Significance.